The following is an entry in ClinVar:

NM_006651.4(CPLX1):c.195C>A (p.Gly65=)

Genes: CPLX1 (complexin 1; minus strand), CPLX1-AS1 (CPLX1 antisense RNA 1; plus strand). Cytogenetic location: 4p16.3.
Variant type: single nucleotide variant.
Coding change: c.195C>A on transcript NM_006651.4 (MANE Select); coding-DNA position 195, C replaced by A.
Protein change: p.Gly65=; no amino-acid change (glycine 65 retained).
Molecular consequence: synonymous variant.
Genome position (GRCh38, 1-based): chr4:792,445, G>T on the plus strand (C>A on the coding strand, the complement: CPLX1 is on the minus strand). VCF-style: chr4-792445-G-T. GRCh37 (hg19) VCF-style: chr4-786233-G-T.
Other names: c.195C>A (NM_006651.3).
Identifiers: ClinVar variation 1588653 (VCV001588653.10), dbSNP rs749055234, ClinGen allele CA2796968.

ClinVar aggregate classification (germline): Likely benign. Review status: criteria provided, single submitter (1 of 4 stars). 2 submissions from 2 submitters: Likely benign (1). 1 of the submissions does not count toward it. Last evaluated 2024-10-31.

Conditions:
CPLX1-related disorder. Also called: CPLX1-related condition.

gnomAD v4.1: 57 of 1,592,810 alleles (0.0036%); highest among the groups gnomAD compares: Middle Eastern, 0.071%; no homozygotes.

Submissions (2):

Labcorp Genetics (formerly Invitae), Labcorp
Classification: Likely benign. Last evaluated: 2024-10-31. Review status: criteria provided, single submitter. Criteria: Invitae Variant Classification Sherloc (09022015). Collection method: clinical testing. Allele origin: germline.

PreventionGenetics, part of Exact Sciences
Classification: Likely benign for CPLX1-related condition. Last evaluated: 2019-04-01. Review status: no assertion criteria provided. Collection method: clinical testing. Allele origin: germline. Not counted in ClinVar's aggregate classification.
Comment: This variant is classified as likely benign based on ACMG/AMP sequence variant interpretation guidelines (Richards et al. 2015 PMID: 25741868, with internal and published modifications).